The following is an entry in ClinVar:

ClinVar aggregate classification (germline): Uncertain significance. Review status: criteria provided, multiple submitters, no conflicts (2 of 4 stars). 3 submissions from 3 submitters: Uncertain significance (2). 1 of the submissions does not count toward it. Last evaluated 2020-12-17.

Conditions:
Visceral myopathy 1 (VSCM1). Also called: ACTG2 Visceral Myopathy; Infantile visceral myopathy; Visceral myopathy. Identifiers: Orphanet 2604, MedGen C5542197, MONDO:0020754, OMIM 155310.
ACTG2-related disorder. Also called: ACTG2-related condition.

Submissions (3):

Johns Hopkins Genomics, Johns Hopkins University
Classification: Uncertain significance for Visceral myopathy 1. Last evaluated: 2020-12-17. Review status: criteria provided, single submitter. Criteria: ACMG Guidelines, 2015. Collection method: clinical testing. Allele origin: germline.
Comment: This ACGT2 variant is absent from a large population database and has not been reported in the literature, to our knowledge. Two bioinformatics tools predict this variant would be damaging. The alanine residue at this position is strongly conserved across the species assessed. This variant is not predicted to affect normal exon 7 splicing, although this has not been confirmed experimentally to our knowledge. An alternate, de novo variant that occurs at the same amino acid position (c.613G>A; p.Ala205Thr) has been reported5 in an individual with visceral myopathy. Due to insufficient evidence, we consider the clinical significance of c.614C>A to be uncertain at this time.

Blueprint Genetics
Classification: Uncertain significance. Last evaluated: 2020-05-25. Review status: criteria provided, single submitter. Criteria: ACMG Guidelines, 2015. Collection method: clinical testing. Allele origin: germline.

PreventionGenetics, part of Exact Sciences
Classification: Likely pathogenic for ACTG2-related condition. Last evaluated: 2024-03-20. Review status: no assertion criteria provided. Collection method: clinical testing. Allele origin: germline. Not counted in ClinVar's aggregate classification.
Comment: The ACTG2 c.614C>A variant is predicted to result in the amino acid substitution p.Ala205Asp. To our knowledge, this variant has not been reported in the literature or in a large population database, indicating this variant is rare. This variant is interpreted as likely pathogenic.

Literature cited by the submitters: PubMed 22960657 (cited by Johns Hopkins Genomics, Johns Hopkins University); PubMed 24337657 (cited by Johns Hopkins Genomics, Johns Hopkins University); PubMed 24676022 (cited by Johns Hopkins Genomics, Johns Hopkins University); PubMed 26938784 (cited by Johns Hopkins Genomics, Johns Hopkins University).

NM_001615.4(ACTG2):c.614C>A (p.Ala205Asp)

Gene: ACTG2 (actin gamma 2, smooth muscle; plus strand). Cytogenetic location: 2p13.1.
Variant type: single nucleotide variant.
Coding change: c.614C>A on transcript NM_001615.4 (MANE Select); coding-DNA position 614, C replaced by A.
Protein change: p.Ala205Asp; replaces alanine 205 with aspartic acid.
Molecular consequence: missense variant.
Genome position (GRCh38, 1-based): chr2:73,914,680, C>A. VCF-style: chr2-73914680-C-A. GRCh37 (hg19) VCF-style: chr2-74141807-C-A.
Other names: c.485C>A, p.Ala162Asp (NM_001199893.2); c.614C>A (NM_001615.3); short protein forms A162D, A205D.
Identifiers: ClinVar variation 992909 (VCV000992909.3), dbSNP rs1680222160, ClinGen allele CA347304096.